The following is an entry in ClinVar:

NM_000814.6(GABRB3):c.288G>T (p.Arg96Ser)

Gene: GABRB3 (gamma-aminobutyric acid type A receptor subunit beta3; minus strand). Cytogenetic location: 15q12.
Variant type: single nucleotide variant.
Coding change: c.288G>T on transcript NM_000814.6 (MANE Select); coding-DNA position 288, G replaced by T.
Protein change: p.Arg96Ser; replaces arginine 96 with serine.
Molecular consequence: missense variant. On other transcripts: non-coding transcript variant (1).
Genome position (GRCh38, 1-based): chr15:26,621,487, C>A on the plus strand (G>T on the coding strand, the complement: GABRB3 is on the minus strand). VCF-style: chr15-26621487-C-A. GRCh37 (hg19) VCF-style: chr15-26866634-C-A.
Other names: c.33G>T, p.Arg11Ser (NM_001191320.2, NM_001278631.2); c.75G>T, p.Arg25Ser (NM_001191321.3); c.288G>T, p.Arg96Ser (NM_021912.5); short protein forms R11S, R25S, R96S.
Identifiers: ClinVar variation 1069296 (VCV001069296.10), dbSNP rs2140537271, ClinGen allele CA391461386.

ClinVar aggregate classification (germline): Pathogenic/Likely pathogenic. Review status: criteria provided, multiple submitters, no conflicts (2 of 4 stars). 2 submissions from 2 submitters: Pathogenic (1); Likely pathogenic (1). Last evaluated 2023-03-09.

Conditions:
GABRB3-related disorder. Also called: GABRB3-related condition.
Epilepsy, childhood absence, susceptibility to, 1. Also called: Epilepsy, childhood absence 1. Identifiers: Orphanet 64280, MedGen C1838604, MONDO:0020759, OMIM 600131.
Epilepsy, childhood absence, susceptibility to, 5. Identifiers: Orphanet 64280, MedGen C2677087, MONDO:0012843, OMIM 612269.

Submissions (2):

Labcorp Genetics (formerly Invitae), Labcorp
Classification: Pathogenic for Epilepsy, childhood absence, susceptibility to, 5; Epilepsy, childhood absence, susceptibility to, 1. Last evaluated: 2023-03-09. Review status: criteria provided, single submitter. Criteria: Invitae Variant Classification Sherloc (09022015). Collection method: clinical testing. Allele origin: germline.
Comment: For these reasons, this variant has been classified as Pathogenic. Advanced modeling of protein sequence and biophysical properties (such as structural, functional, and spatial information, amino acid conservation, physicochemical variation, residue mobility, and thermodynamic stability) performed at Invitae indicates that this missense variant is expected to disrupt GABRB3 protein function. ClinVar contains an entry for this variant (Variation ID: 1069296). This missense change has been observed in individual(s) with clinical features of GABRB3-related conditions (Invitae). In at least one individual the variant was observed to be de novo. This variant is not present in population databases (gnomAD no frequency). This sequence change replaces arginine, which is basic and polar, with serine, which is neutral and polar, at codon 96 of the GABRB3 protein (p.Arg96Ser).

Blueprint Genetics
Classification: Likely pathogenic for GABRB3-related disorders. Last evaluated: 2020-09-28. Review status: criteria provided, single submitter. Criteria: ACMG Guidelines, 2015. Collection method: clinical testing. Allele origin: de novo. Affected: yes. Observed: 1 variant allele.